The following is an entry in ClinVar:

NM_003119.4(SPG7):c.971T>C (p.Phe324Ser)

Gene: SPG7 (SPG7 matrix AAA peptidase subunit, paraplegin; plus strand). Cytogenetic location: 16q24.3.
Variant type: single nucleotide variant.
Coding change: c.971T>C on transcript NM_003119.4 (MANE Select); coding-DNA position 971, T replaced by C.
Protein change: p.Phe324Ser; replaces phenylalanine 324 with serine.
Molecular consequence: missense variant.
Genome position (GRCh38, 1-based): chr16:89,530,792, T>C. VCF-style: chr16-89530792-T-C. GRCh37 (hg19) VCF-style: chr16-89597200-T-C.
Other names: c.971T>C, p.Phe324Ser (NM_001363850.1, NM_199367.3); short protein forms F324S.
Identifiers: ClinVar variation 1387887 (VCV001387887.6), dbSNP rs2152402791, ClinGen allele CA397419239.

ClinVar aggregate classification (germline): Likely pathogenic (1 of 4 stars; one submission).

Conditions:
Hereditary spastic paraplegia 7 (SPG7). Also called: Autosomal recessive spastic paraplegia type 7; SPG7-related neurologic disorder; SPASTIC PARAPLEGIA 7, AUTOSOMAL RECESSIVE, WITH OR WITHOUT CEREBELLAR ATAXIA; Spastic paraplegia 7; Hereditary spastic paraplegia Paraplegin type. Identifiers: Orphanet 99013, MedGen C1846564, MONDO:0011803, OMIM 607259.

Submission:

Labcorp Genetics (formerly Invitae), Labcorp
Classification: Likely pathogenic for Hereditary spastic paraplegia 7. Last evaluated: 2022-05-31. Review status: criteria provided, single submitter. Criteria: Invitae Variant Classification Sherloc (09022015). Collection method: clinical testing. Allele origin: germline.
Comment: In summary, the currently available evidence indicates that the variant is pathogenic, but additional data are needed to prove that conclusively. Therefore, this variant has been classified as Likely Pathogenic. Advanced modeling of protein sequence and biophysical properties (such as structural, functional, and spatial information, amino acid conservation, physicochemical variation, residue mobility, and thermodynamic stability) performed at Invitae indicates that this missense variant is expected to disrupt SPG7 protein function. ClinVar contains an entry for this variant (Variation ID: 1387887). This missense change has been observed in individual(s) with clinical features of hereditary spastic paraplegia (Invitae). In at least one individual the data is consistent with being in trans (on the opposite chromosome) from a pathogenic variant. This variant is not present in population databases (gnomAD no frequency). This sequence change replaces phenylalanine, which is neutral and non-polar, with serine, which is neutral and polar, at codon 324 of the SPG7 protein (p.Phe324Ser).